The following is an entry in ClinVar:

NM_001197104.2(KMT2A):c.2257C>T (p.His753Tyr)

Gene: KMT2A (lysine methyltransferase 2A; plus strand). Cytogenetic location: 11q23.3.
Variant type: single nucleotide variant.
Coding change: c.2257C>T on transcript NM_001197104.2 (MANE Select); coding-DNA position 2257, C replaced by T.
Protein change: p.His753Tyr; replaces histidine 753 with tyrosine.
Molecular consequence: missense variant.
Genome position (GRCh38, 1-based): chr11:118,473,416, C>T. VCF-style: chr11-118473416-C-T. GRCh37 (hg19) VCF-style: chr11-118344131-C-T.
Other names: c.2356C>T, p.His786Tyr (NM_001412597.1); c.2257C>T, p.His753Tyr (NM_005933.4); short protein forms H786Y, H753Y.
Identifiers: ClinVar variation 2995737 (VCV002995737.3), dbSNP rs1555036433, ClinGen allele CA382813954.
Genomic context (GRCh38, chr11:118,473,416, plus strand): 5'-AATAGAAAAAGGAAAAGAAAAGTGTTTAGTCCTATTCGATCTGAACCAAGATCTCCTTCT[C>T]ACTCCATGAGGACAAGAAGTGGAAGGCTTAGTAGTTCTGAGCTCTCACCTCTCACCCCCC-3'
Protein context (NP_001184033.1, residues 743-763): PIRSEPRSPS[His753Tyr]SMRTRSGRLS

ClinVar aggregate classification (germline): Uncertain significance (1 of 4 stars; one submission).

Allele frequency attached by ClinVar (database versions not stated): gnomAD exomes below 0.00001; gnomAD 0.00001.
gnomAD v4.1: 5 of 1,614,100 alleles (0.00031%); highest among the groups gnomAD compares: Non-Finnish European, 0.00042%; no homozygotes.

Submission:

Labcorp Genetics (formerly Invitae), Labcorp
Classification: Uncertain significance. Last evaluated: 2023-02-06. Review status: criteria provided, single submitter. Criteria: Invitae Variant Classification Sherloc (09022015). Collection method: clinical testing. Allele origin: germline.
Comment: This sequence change replaces histidine, which is basic and polar, with tyrosine, which is neutral and polar, at codon 753 of the KMT2A protein (p.His753Tyr). This variant is present in population databases (no rsID available, gnomAD 0.007%). This variant has not been reported in the literature in individuals affected with KMT2A-related conditions. Advanced modeling of protein sequence and biophysical properties (such as structural, functional, and spatial information, amino acid conservation, physicochemical variation, residue mobility, and thermodynamic stability) has been performed at Invitae for this missense variant, however the output from this modeling did not meet the statistical confidence thresholds required to predict the impact of this variant on KMT2A protein function. In summary, the available evidence is currently insufficient to determine the role of this variant in disease. Therefore, it has been classified as a Variant of Uncertain Significance.